The following is an entry in ClinVar:

ClinVar aggregate classification (germline): Uncertain significance (1 of 4 stars; one submission).

Submission:

Women's Health and Genetics/Laboratory Corporation of America, LabCorp
Classification: Uncertain significance. Last evaluated: 2025-06-12. Review status: criteria provided, single submitter. Criteria: LabCorp Variant Classification Summary - May 2015. Collection method: clinical testing. Allele origin: germline.
Comment: Variant summary: F7 c.1074G>C (p.Met358Ile) results in a conservative amino acid change in the encoded protein sequence. Algorithms developed to predict the effect of missense changes on protein structure and function are either unavailable or do not agree on the potential impact of this missense change. The variant was absent in 248728 control chromosomes. The available data on variant occurrences in the general population are insufficient to allow any conclusion about variant significance. c.1074G>C has been observed in individual(s) affected with Congenital factor VII deficiency, also was reported to be at a homozygous state in an asymptomatic individual (Ouardani_2022, Quintavalle_2017, Sabater-Lleal_2003). These report(s) do not provide unequivocal conclusions about association of the variant with Congenital factor VII deficiency. To our knowledge, no experimental evidence demonstrating an impact on protein function has been reported. The following publications have been ascertained in the context of this evaluation (PMID: 35802509, 28447100, 12935978). No submitters have cited clinical-significance assessments for this variant to ClinVar. Based on the evidence outlined above, the variant was classified as uncertain significance.

Literature cited by the submitters: PubMed 28447100; PubMed 35802509; PubMed 12935978.

NM_019616.4(F7):c.1008G>C (p.Met336Ile)

Gene: F7 (coagulation factor VII; plus strand). Cytogenetic location: 13q34.
Variant type: single nucleotide variant.
Coding change: c.1008G>C on transcript NM_019616.4 (MANE Select); coding-DNA position 1008, G replaced by C.
Protein change: p.Met336Ile; replaces methionine 336 with isoleucine.
Molecular consequence: missense variant. On other transcripts: non-coding transcript variant (1).
Genome position (GRCh38, 1-based): chr13:113,118,681, G>C. VCF-style: chr13-113118681-G-C. GRCh37 (hg19) VCF-style: chr13-113772995-G-C.
Other names: c.1074G>C, p.Met358Ile (NM_000131.5); c.822G>C, p.Met274Ile (NM_001267554.2); short protein forms M274I, M336I, M358I.
Identifiers: ClinVar variation 3907176 (VCV003907176.1).